The following is an entry in ClinVar:

NM_007325.5(GRIA3):c.787G>C (p.Gly263Arg)

Gene: GRIA3 (glutamate ionotropic receptor AMPA type subunit 3; plus strand). Cytogenetic location: Xq25.
Variant type: single nucleotide variant.
Coding change: c.787G>C on transcript NM_007325.5 (MANE Select); coding-DNA position 787, G replaced by C.
Protein change: p.Gly263Arg; replaces glycine 263 with arginine.
Molecular consequence: missense variant.
Genome position (GRCh38, 1-based): chrX:123,395,004, G>C. VCF-style: chrX-123395004-G-C. GRCh37 (hg19) VCF-style: chrX-122528855-G-C.
Other names: c.787G>C, p.Gly263Arg (NM_000828.5); c.787G>C (NM_000828.4); short protein forms G263R.
Identifiers: ClinVar variation 3001765 (VCV003001765.4), dbSNP rs191962905, ClinGen allele CA10506967.
Genomic context (GRCh38, chrX:123,395,004, plus strand): 5'-ATGATCCTTTCAATGTCTTTCCAGGGTTTTACTGATATTTTACTGGAAAGAGTCATGCAT[G>C]GGGGAGCCAACATTACAGGTTTCCAGATTGTCAACAATGAAAACCCTATGGTTCAGCAGT-3'
Protein context (NP_015564.5, residues 253-273): TDILLERVMH[Gly263Arg]GANITGFQIV

ClinVar aggregate classification (germline): Conflicting classifications of pathogenicity. Review status: criteria provided, conflicting classifications (1 of 4 stars). 2 submissions from 2 submitters: Uncertain significance (1); Likely benign (1). Last evaluated 2025-06-29.

Conditions:
Inborn genetic diseases. Identifiers: MedGen C0950123, MeSH D030342.

Allele frequency attached by ClinVar (database versions not stated): gnomAD exomes below 0.00001; gnomAD 0.00002; 1000 Genomes Project 30x 0.00021; 1000 Genomes Project 0.00026; ExAC 0.00003; TOPMed 0.00005.
gnomAD v4.1: 8 of 1,191,434 alleles (0.00067%); highest among the groups gnomAD compares: Admixed American, 0.015%; no homozygotes.

Submissions (2):

Labcorp Genetics (formerly Invitae), Labcorp
Classification: Uncertain significance. Last evaluated: 2025-06-29. Review status: criteria provided, single submitter. Criteria: Invitae Variant Classification Sherloc (09022015). Collection method: clinical testing. Allele origin: germline.
Comment: This sequence change replaces glycine, which is neutral and non-polar, with arginine, which is basic and polar, at codon 263 of the GRIA3 protein (p.Gly263Arg). This variant is present in population databases (rs191962905, gnomAD 0.02%). This variant has not been reported in the literature in individuals affected with GRIA3-related conditions. ClinVar contains an entry for this variant (Variation ID: 3001765). Invitae Evidence Modeling of protein sequence and biophysical properties (such as structural, functional, and spatial information, amino acid conservation, physicochemical variation, residue mobility, and thermodynamic stability) indicates that this missense variant is not expected to disrupt GRIA3 protein function with a negative predictive value of 80%. In summary, the available evidence is currently insufficient to determine the role of this variant in disease. Therefore, it has been classified as a Variant of Uncertain Significance.

Ambry Genetics
Classification: Likely benign for Inborn genetic diseases. Last evaluated: 2025-06-22. Review status: criteria provided, single submitter. Criteria: Ambry Variant Classification Scheme 2023. Collection method: clinical testing. Allele origin: germline.